The following is an entry in ClinVar:

NM_006035.4(CDC42BPB):c.150G>T (p.Lys50Asn)

Gene: CDC42BPB (CDC42 binding protein kinase beta; minus strand). Cytogenetic location: 14q32.32.
Variant type: single nucleotide variant.
Coding change: c.150G>T on transcript NM_006035.4 (MANE Select); coding-DNA position 150, G replaced by T.
Protein change: p.Lys50Asn; replaces lysine 50 with asparagine.
Molecular consequence: missense variant.
Genome position (GRCh38, 1-based): chr14:103,057,024, C>A on the plus strand (G>T on the coding strand, the complement: CDC42BPB is on the minus strand). VCF-style: chr14-103057024-C-A. GRCh37 (hg19) VCF-style: chr14-103523361-C-A.
Other names: c.150G>T, p.Lys50Asn (NM_001411054.1); short protein forms K50N.
Identifiers: ClinVar variation 4082900 (VCV004082900.1).

ClinVar aggregate classification (germline): Uncertain significance (1 of 4 stars; one submission).

Submission:

GeneDx
Classification: Uncertain significance. Last evaluated: 2025-03-03. Review status: criteria provided, single submitter. Criteria: GeneDx Variant Classification Process June 2021. Collection method: clinical testing. Allele origin: germline. Affected: yes.
Comment: Not observed at significant frequency in large population cohorts (gnomAD); In silico analysis supports that this missense variant has a deleterious effect on protein structure/function; Has not been previously published as pathogenic or benign to our knowledge